The following is an entry in ClinVar:

ClinVar aggregate classification (germline): Uncertain significance (1 of 4 stars; one submission).

Conditions:
Cutis laxa, autosomal recessive, type 1B (ARCL1B). Also called: EFEMP2-Related Cutis Laxa; CUTIS LAXA, AUTOSOMAL RECESSIVE, TYPE IB. Identifiers: Orphanet 90349, MedGen C3280798, MONDO:0013754, OMIM 614437. Disease mechanism: loss of function.

Allele frequency attached by ClinVar (database versions not stated): gnomAD exomes below 0.00001; TOPMed below 0.00001; ExAC 0.00001; gnomAD 0.00001.

Submission:

Labcorp Genetics (formerly Invitae), Labcorp
Classification: Uncertain significance for Cutis laxa, autosomal recessive, type 1B. Last evaluated: 2019-01-26. Review status: criteria provided, single submitter. Criteria: Invitae Variant Classification Sherloc (09022015). Collection method: clinical testing. Allele origin: germline.
Comment: This variant is present in population databases (rs760244280, ExAC 0.002%). In summary, the available evidence is currently insufficient to determine the role of this variant in disease. Therefore, it has been classified as a Variant of Uncertain Significance. Algorithms developed to predict the effect of missense changes on protein structure and function (SIFT, PolyPhen-2, Align-GVGD) all suggest that this variant is likely to be disruptive, but these predictions have not been confirmed by published functional studies and their clinical significance is uncertain. This variant has not been reported in the literature in individuals with EFEMP2-related conditions. This sequence change replaces cysteine with tyrosine at codon 226 of the EFEMP2 protein (p.Cys226Tyr). The cysteine residue is highly conserved and there is a large physicochemical difference between cysteine and tyrosine.

NM_016938.5(EFEMP2):c.677G>A (p.Cys226Tyr)

Gene: EFEMP2 (EGF-like fibulin extracellular matrix protein 2; minus strand). Cytogenetic location: 11q13.1.
Variant type: single nucleotide variant.
Coding change: c.677G>A on transcript NM_016938.5 (MANE Select); coding-DNA position 677, G replaced by A.
Protein change: p.Cys226Tyr; replaces cysteine 226 with tyrosine.
Molecular consequence: missense variant. On other transcripts: non-coding transcript variant (1).
Genome position (GRCh38, 1-based): chr11:65,869,907, C>T on the plus strand (G>A on the coding strand, the complement: EFEMP2 is on the minus strand). VCF-style: chr11-65869907-C-T. GRCh37 (hg19) VCF-style: chr11-65637378-C-T.
Other names: short protein forms C226Y.
Identifiers: ClinVar variation 854785 (VCV000854785.9), dbSNP rs760244280, ClinGen allele CA6110562.